The following is an entry in ClinVar:

ClinVar aggregate classification (germline): Conflicting classifications of pathogenicity. Review status: criteria provided, conflicting classifications (1 of 4 stars). 5 submissions from 5 submitters: Uncertain significance (1); Benign (1); Likely benign (1). 2 of the submissions do not count toward it. Last evaluated 2026-01-22.

Conditions:
Epidermolysis bullosa dystrophica. Also called: Dystrophic epidermolysis bullosa, Hallopeau-Siemens type (formerly); Dystrophic epidermolysis bullosa. Identifiers: Orphanet 303, MedGen C0079294, MONDO:0006543.
COL7A1-related disorder. Also called: COL7A1- related disorders; COL7A1-related condition.
Generalized dominant dystrophic epidermolysis bullosa (DDEB). Also called: DDEB, generalized; DDEB-gen; DYSTROPHIC EPIDERMOLYSIS BULLOSA, AUTOSOMAL DOMINANT; Epidermolysis bullosa dystrophica, autosomal dominant; Dominant DEB (DDEB). Identifiers: Orphanet 231568, MedGen C0432322, MONDO:0007549, OMIM 131750.

Allele frequency attached by ClinVar (database versions not stated): TOPMed 0.00031; 1000 Genomes Project 30x 0.00047; 1000 Genomes Project 0.00060; ESP Exome Variant Server 0.00062; gnomAD exomes 0.00074 and 0.00109; gnomAD 0.00076 and 0.00077; ExAC 0.00149.
gnomAD v4.1: 1,199 of 1,614,042 alleles (0.074%); highest among the groups gnomAD compares: Non-Finnish European, 0.066%; 2 homozygotes.

Submissions (5):

Labcorp Genetics (formerly Invitae), Labcorp
Classification: Benign. Last evaluated: 2026-01-22. Review status: criteria provided, single submitter. Criteria: Invitae Variant Classification Sherloc (09022015). Collection method: clinical testing. Allele origin: germline.

Blueprint Genetics
Classification: Likely benign. Last evaluated: 2024-11-26. Review status: criteria provided, single submitter. Criteria: ACMG Guidelines, 2015. Collection method: clinical testing. Allele origin: germline.

Illumina Laboratory Services, Illumina
Classification: Uncertain significance for Dystrophic epidermolysis bullosa. Last evaluated: 2018-01-13. Review status: criteria provided, single submitter. Criteria: ICSL Variant Classification Criteria 13 December 2019. Collection method: clinical testing. Allele origin: germline.

PreventionGenetics, part of Exact Sciences
Classification: Likely benign for COL7A1-related condition. Last evaluated: 2023-12-26. Review status: no assertion criteria provided. Collection method: clinical testing. Allele origin: germline. Not counted in ClinVar's aggregate classification.
Comment: This variant is classified as likely benign based on ACMG/AMP sequence variant interpretation guidelines (Richards et al. 2015 PMID: 25741868, with internal and published modifications).

Natera, Inc.
Classification: Benign for Autosomal dominant dystrophic epidermolysis bullosa. Last evaluated: 2020-05-02. Review status: no assertion criteria provided. Collection method: clinical testing. Allele origin: germline. Not counted in ClinVar's aggregate classification.

NM_000094.4(COL7A1):c.7353T>C (p.Pro2451=)

Gene: COL7A1 (collagen type VII alpha 1 chain; minus strand). Cytogenetic location: 3p21.31.
Variant type: single nucleotide variant.
Coding change: c.7353T>C on transcript NM_000094.4 (MANE Select); coding-DNA position 7353, T replaced by C.
Protein change: p.Pro2451=; no amino-acid change (proline 2451 retained).
Molecular consequence: synonymous variant.
Genome position (GRCh38, 1-based): chr3:48,570,492, A>G on the plus strand (T>C on the coding strand, the complement: COL7A1 is on the minus strand). VCF-style: chr3-48570492-A-G. GRCh37 (hg19) VCF-style: chr3-48607925-A-G.
Identifiers: ClinVar variation 345809 (VCV000345809.18), dbSNP rs139461888, ClinGen allele CA2378538.